The following is an entry in ClinVar:

NM_020975.6(RET):c.1789G>C (p.Gly597Arg)

Gene: RET (ret proto-oncogene; plus strand). Cytogenetic location: 10q11.21.
Variant type: single nucleotide variant.
Coding change: c.1789G>C on transcript NM_020975.6 (MANE Select); coding-DNA position 1789, G replaced by C.
Protein change: p.Gly597Arg; replaces glycine 597 with arginine.
Molecular consequence: missense variant.
Genome position (GRCh38, 1-based): chr10:43,113,585, G>C. VCF-style: chr10-43113585-G-C. GRCh37 (hg19) VCF-style: chr10-43609033-G-C.
Other names: c.1789G>C, p.Gly597Arg (NM_000323.2, NM_001406743.1, NM_001406744.1 and 6 more transcripts); c.1027G>C, p.Gly343Arg (NM_001355216.2); c.1660G>C, p.Gly554Arg (NM_001406761.1, NM_001406762.1, NM_001406764.1 and 1 more transcripts); c.1501G>C, p.Gly501Arg (NM_001406766.1, NM_001406767.1, NM_001406770.1); c.1393G>C, p.Gly465Arg (NM_001406769.1, NM_001406772.1); c.1351G>C, p.Gly451Arg (NM_001406771.1, NM_001406773.1); c.1264G>C, p.Gly422Arg (NM_001406774.1); c.1063G>C, p.Gly355Arg (NM_001406775.1, NM_001406776.1, NM_001406777.1 and 1 more transcripts); and 5 more; short protein forms G114R, G202R, G255R, G267R, G298R, G343R, G355R, G422R.
Identifiers: ClinVar variation 2428945 (VCV002428945.3), dbSNP rs2132827661, ClinGen allele CA376552572.

ClinVar aggregate classification (germline): Uncertain significance (1 of 4 stars; one submission).

Submission:

GeneDx
Classification: Uncertain significance. Last evaluated: 2022-08-05. Review status: criteria provided, single submitter. Criteria: GeneDx Variant Classification Process June 2021. Collection method: clinical testing. Allele origin: germline. Affected: yes.
Comment: Not observed at significant frequency in large population cohorts (gnomAD); In silico analysis supports that this missense variant has a deleterious effect on protein structure/function; Has not been previously published as pathogenic or benign to our knowledge; This variant is associated with the following publications: (PMID: 14633923)